The following is an entry in ClinVar:

ClinVar aggregate classification (germline): Uncertain significance (1 of 4 stars; one submission).

Conditions:
Hereditary spastic paraplegia 6 (SPG6). Also called: SPASTIC PARAPLEGIA 6, AUTOSOMAL DOMINANT. Identifiers: Orphanet 100988, MedGen C1838192, MONDO:0010878, OMIM 600363.

Allele frequency attached by ClinVar (database versions not stated): gnomAD exomes below 0.00001; ExAC 0.00001; gnomAD 0.00001; TOPMed 0.00001.

Submission:

Labcorp Genetics (formerly Invitae), Labcorp
Classification: Uncertain significance for Hereditary spastic paraplegia 6. Last evaluated: 2022-03-16. Review status: criteria provided, single submitter. Criteria: Invitae Variant Classification Sherloc (09022015). Collection method: clinical testing. Allele origin: germline.
Comment: In summary, the available evidence is currently insufficient to determine the role of this variant in disease. Therefore, it has been classified as a Variant of Uncertain Significance. Algorithms developed to predict the effect of missense changes on protein structure and function (SIFT, PolyPhen-2, Align-GVGD) all suggest that this variant is likely to be tolerated. This variant has not been reported in the literature in individuals affected with NIPA1-related conditions. This variant is present in population databases (rs773462083, gnomAD 0.007%). This sequence change replaces proline, which is neutral and non-polar, with leucine, which is neutral and non-polar, at codon 104 of the NIPA1 protein (p.Pro104Leu).

NM_144599.5(NIPA1):c.311C>T (p.Pro104Leu)

Gene: NIPA1 (NIPA magnesium transporter 1; plus strand). Cytogenetic location: 15q11.2.
Variant type: single nucleotide variant.
Coding change: c.311C>T on transcript NM_144599.5 (MANE Select); coding-DNA position 311, C replaced by T.
Protein change: p.Pro104Leu; replaces proline 104 with leucine.
Molecular consequence: missense variant.
Genome position (GRCh38, 1-based): chr15:22,812,247, C>T. VCF-style: chr15-22812247-C-T. GRCh37 (hg19) VCF-style: chr15-23060821-G-A.
Other names: c.86C>T, p.Pro29Leu (NM_001142275.1); short protein forms P104L, P29L.
Identifiers: ClinVar variation 2041058 (VCV002041058.4), dbSNP rs773462083, ClinGen allele CA7426138.
Genomic context (GRCh38, chr15:22,812,247, plus strand): 5'-TCCTGGCTTACACGGCGGTCCCCACGGTCCTGGTAACCCCCCTGGGCGCCCTTGGAGTAC[C>T]GTTCGGGTGAGAGCCAAGATTGTGTTTGGTATTTAATGTGTAGTGTAGATATAACAACTT-3'
Protein context (NP_653200.2, residues 94-114): LVTPLGALGV[Pro104Leu]FGSILASYLL